The following is an entry in ClinVar:

NM_020708.5(SLC12A5):c.3001C>T (p.Pro1001Ser)

Gene: SLC12A5 (solute carrier family 12 member 5; plus strand). Cytogenetic location: 20q13.12.
Variant type: single nucleotide variant.
Coding change: c.3001C>T on transcript NM_020708.5 (MANE Select); coding-DNA position 3001, C replaced by T.
Protein change: p.Pro1001Ser; replaces proline 1001 with serine.
Molecular consequence: missense variant.
Genome position (GRCh38, 1-based): chr20:46,056,455, C>T. VCF-style: chr20-46056455-C-T. GRCh37 (hg19) VCF-style: chr20-44685094-C-T.
Other names: c.3070C>T, p.Pro1024Ser (NM_001134771.2); short protein forms P1001S, P1024S.
Identifiers: ClinVar variation 1003386 (VCV001003386.9), dbSNP rs2084695249, ClinGen allele CA409207812.
Genomic context (GRCh38, chr20:46,056,455, plus strand): 5'-AGCTGCCCCAGCAGCTCCCCGTCCCCAGGGGAGGAGCCTGAGGGGGAAGGGGAGACAGAT[C>T]CGGAGAAGGTGCATCTCACCTGGACCAAGGACAAGTCGGTGGCAGAGAAGAATAAGGGCC-3'
Protein context (NP_065759.1, residues 991-1011): EEPEGEGETD[Pro1001Ser]EKVHLTWTKD

ClinVar aggregate classification (germline): Uncertain significance (1 of 4 stars; one submission).

Conditions:
Developmental and epileptic encephalopathy, 34 (DEE34). Also called: SLC12A5-Related Epilepsy of Infancy with Migrating Focal Seizures; Early infantile epileptic encephalopathy 34. Identifiers: Orphanet 293181, MedGen C4225257, MONDO:0014718, OMIM 616645.

Submission:

Labcorp Genetics (formerly Invitae), Labcorp
Classification: Uncertain significance for Developmental and epileptic encephalopathy, 34. Last evaluated: 2020-03-17. Review status: criteria provided, single submitter. Criteria: Invitae Variant Classification Sherloc (09022015). Collection method: clinical testing. Allele origin: germline.
Comment: In summary, the available evidence is currently insufficient to determine the role of this variant in disease. Therefore, it has been classified as a Variant of Uncertain Significance. Algorithms developed to predict the effect of missense changes on protein structure and function (SIFT, PolyPhen-2, Align-GVGD) all suggest that this variant is likely to be tolerated, but these predictions have not been confirmed by published functional studies and their clinical significance is uncertain. This variant has not been reported in the literature in individuals with SLC12A5-related conditions. This variant is not present in population databases (ExAC no frequency). This sequence change replaces proline with serine at codon 1001 of the SLC12A5 protein (p.Pro1001Ser). The proline residue is moderately conserved and there is a moderate physicochemical difference between proline and serine.